The following is an entry in ClinVar:

NM_004974.4(KCNA2):c.928C>G (p.His310Asp)

Gene: KCNA2 (potassium voltage-gated channel subfamily A member 2; minus strand). Cytogenetic location: 1p13.3.
Variant type: single nucleotide variant.
Coding change: c.928C>G on transcript NM_004974.4 (MANE Select); coding-DNA position 928, C replaced by G.
Protein change: p.His310Asp; replaces histidine 310 with aspartic acid.
Molecular consequence: missense variant. On other transcripts: intron variant (1).
Genome position (GRCh38, 1-based): chr1:110,603,855, G>C on the plus strand (C>G on the coding strand, the complement: KCNA2 is on the minus strand). VCF-style: chr1-110603855-G-C. GRCh37 (hg19) VCF-style: chr1-111146477-G-C.
Other names: c.894+34C>G (NM_001204269.2); short protein forms H310D.
Identifiers: ClinVar variation 1801703 (VCV001801703.1), dbSNP rs1342073847, ClinGen allele CA341602726.

ClinVar aggregate classification (germline): Likely pathogenic (1 of 4 stars; one submission).

Conditions:
Global developmental delay (DD). Also called: Cognitive delay. Identifiers: MedGen C0557874, HP:0001263. Disease mechanism: loss of function.

Submission:

Human Genetics Bochum, Ruhr University Bochum
Classification: Likely pathogenic for Global developmental delay. Last evaluated: 2022-02-17. Review status: criteria provided, single submitter. Criteria: ACMG Guidelines, 2015. Collection method: clinical testing. Allele origin: germline. Affected: yes.
Comment: ACMG criteria used to clasify this variant: PM1, PM5, PM2_SUP, PP3